The following is an entry in ClinVar:

ClinVar aggregate classification (germline): Uncertain significance (1 of 4 stars; one submission).

Allele frequency attached by ClinVar (database versions not stated): gnomAD exomes below 0.00001.
gnomAD v4.1: 2 of 1,614,132 alleles (0.00012%); highest among the groups gnomAD compares: Admixed American, 0.0017%; no homozygotes.

Submission:

Labcorp Genetics (formerly Invitae), Labcorp
Classification: Uncertain significance. Last evaluated: 2022-07-23. Review status: criteria provided, single submitter. Criteria: Invitae Variant Classification Sherloc (09022015). Collection method: clinical testing. Allele origin: germline.
Comment: In summary, the available evidence is currently insufficient to determine the role of this variant in disease. Therefore, it has been classified as a Variant of Uncertain Significance. Algorithms developed to predict the effect of missense changes on protein structure and function are either unavailable or do not agree on the potential impact of this missense change (SIFT: "Tolerated"; PolyPhen-2: "Probably Damaging"; Align-GVGD: "Class C0"). This variant has not been reported in the literature in individuals affected with EMC1-related conditions. This variant is present in population databases (no rsID available, gnomAD 0.003%). This sequence change replaces serine, which is neutral and polar, with asparagine, which is neutral and polar, at codon 747 of the EMC1 protein (p.Ser747Asn).

NM_015047.3(EMC1):c.2240G>A (p.Ser747Asn)

Genes: EMC1 (ER membrane protein complex subunit 1; minus strand), EMC1-AS1 (EMC1 antisense RNA 1; plus strand). Cytogenetic location: 1p36.13.
Variant type: single nucleotide variant.
Coding change: c.2240G>A on transcript NM_015047.3 (MANE Select); coding-DNA position 2240, G replaced by A.
Protein change: p.Ser747Asn; replaces serine 747 with asparagine.
Molecular consequence: missense variant.
Genome position (GRCh38, 1-based): chr1:19,223,532, C>T on the plus strand (G>A on the coding strand, the complement: EMC1 is on the minus strand). VCF-style: chr1-19223532-C-T. GRCh37 (hg19) VCF-style: chr1-19550026-C-T.
Other names: c.2237G>A, p.Ser746Asn (NM_001271427.2, NM_001271428.2); c.2174G>A, p.Ser725Asn (NM_001271429.2); c.2249G>A, p.Ser750Asn (NM_001375820.1); c.2246G>A, p.Ser749Asn (NM_001375821.1); short protein forms S725N, S746N, S747N, S749N, S750N.
Identifiers: ClinVar variation 1713489 (VCV001713489.5), dbSNP rs1298743811, ClinGen allele CA338755148.
Genomic context (GRCh38, chr1:19,223,532, plus strand): 5'-CCAGTGACGCCATCAATGAGGAAGATGCCAATAAAGGTGCGCTCATGGTGCGCGTCTGTG[C>T]TCTCTGTCACCACGGCCAGCAGGTTGGGGTTCAGGCTCTGGAGAGAGAGAGAAAACCTCC-3'
Protein context (NP_055862.1, residues 737-757): NPNLLAVVTE[Ser747Asn]TDAHHERTFI